The following is an entry in ClinVar:

NM_001001331.4(ATP2B2):c.1555G>A (p.Val519Ile)

Gene: ATP2B2 (ATPase plasma membrane Ca2+ transporting 2; minus strand). Cytogenetic location: 3p25.3.
Variant type: single nucleotide variant.
Coding change: c.1555G>A on transcript NM_001001331.4 (MANE Select); coding-DNA position 1555, G replaced by A.
Protein change: p.Val519Ile; replaces valine 519 with isoleucine.
Molecular consequence: missense variant.
Genome position (GRCh38, 1-based): chr3:10,371,913, C>T on the plus strand (G>A on the coding strand, the complement: ATP2B2 is on the minus strand). VCF-style: chr3-10371913-C-T. GRCh37 (hg19) VCF-style: chr3-10413597-C-T.
Other names: c.1420G>A (NM_001683.3); c.1420G>A, p.Val474Ile (NM_001330611.3, NM_001353564.1, NM_001363862.1 and 1 more transcripts); short protein forms V474I, V519I.
Identifiers: ClinVar variation 1650863 (VCV001650863.34), dbSNP rs144118750, ClinGen allele CA2253640.

ClinVar aggregate classification (germline): Likely benign. Review status: criteria provided, multiple submitters, no conflicts (2 of 4 stars). 4 submissions from 4 submitters: Likely benign (3). 1 of the submissions does not count toward it. Last evaluated 2026-05-01.

Conditions:
ATP2B2-related disorder. Also called: ATP2B2-related condition.

Allele frequency attached by ClinVar (database versions not stated): 1000 Genomes Project 30x 0.00031; 1000 Genomes Project 0.00040; gnomAD exomes 0.00168; ExAC 0.00177; gnomAD 0.00202 and 0.00208; TOPMed 0.00204; ESP Exome Variant Server 0.00277.
gnomAD v4.1: 4,340 of 1,614,150 alleles (0.27%); highest among the groups gnomAD compares: Non-Finnish European, 0.34%; 10 homozygotes.

Submissions (4):

CeGaT Center for Human Genetics Tuebingen
Classification: Likely benign. Last evaluated: 2026-05-01. Review status: criteria provided, single submitter. Criteria: CeGaT Center For Human Genetics Tuebingen Variant Classification Criteria Version 2. Collection method: clinical testing. Allele origin: germline. Affected: yes. Observed: 5 variant alleles.
Comment: ATP2B2: BP4, BS1

Labcorp Genetics (formerly Invitae), Labcorp
Classification: Likely benign. Last evaluated: 2026-01-18. Review status: criteria provided, single submitter. Criteria: Invitae Variant Classification Sherloc (09022015). Collection method: clinical testing. Allele origin: germline.

Blueprint Genetics
Classification: Likely benign. Last evaluated: 2024-11-26. Review status: criteria provided, single submitter. Criteria: ACMG Guidelines, 2015. Collection method: clinical testing. Allele origin: germline.

PreventionGenetics, part of Exact Sciences
Classification: Likely benign for ATP2B2-related condition. Last evaluated: 2023-03-06. Review status: no assertion criteria provided. Collection method: clinical testing. Allele origin: germline. Not counted in ClinVar's aggregate classification.
Comment: This variant is classified as likely benign based on ACMG/AMP sequence variant interpretation guidelines (Richards et al. 2015 PMID: 25741868, with internal and published modifications).